The following is an entry in ClinVar:

NM_001267550.2(TTN):c.43146G>A (p.Leu14382=)

Gene: TTN (titin; minus strand). Cytogenetic location: 2q31.2.
Variant type: single nucleotide variant.
Coding change: c.43146G>A on transcript NM_001267550.2 (MANE Select); coding-DNA position 43146, G replaced by A.
Protein change: p.Leu14382=; no amino-acid change (leucine 14382 retained).
Molecular consequence: synonymous variant.
Genome position (GRCh38, 1-based): chr2:178,632,985, C>T on the plus strand (G>A on the coding strand, the complement: TTN is on the minus strand). VCF-style: chr2-178632985-C-T. GRCh37 (hg19) VCF-style: chr2-179497712-C-T.
Other names: c.38223G>A, p.Leu12741= (NM_001256850.1); c.15951G>A, p.Leu5317= (NM_003319.4); c.35442G>A, p.Leu11814= (NM_133378.4); c.16326G>A, p.Leu5442= (NM_133432.3); c.16527G>A, p.Leu5509= (NM_133437.4).
Identifiers: ClinVar variation 391414 (VCV000391414.5), dbSNP rs751236287, ClinGen allele CA1995934.

ClinVar aggregate classification (germline): Conflicting classifications of pathogenicity. Review status: criteria provided, conflicting classifications (1 of 4 stars). 3 submissions from 3 submitters: Uncertain significance (1); Likely benign (2). Last evaluated 2019-10-17.

Conditions:
Cardiovascular phenotype. Identifiers: MedGen CN230736.
Autosomal recessive limb-girdle muscular dystrophy type 2J (LGMDR10). Also called: Limb-girdle muscular dystrophy, type 2J; MUSCULAR DYSTROPHY, LIMB-GIRDLE, AUTOSOMAL RECESSIVE 10. Identifiers: Orphanet 140922, MedGen C1837342, MONDO:0012127, OMIM 608807.
Dilated cardiomyopathy 1G (CMD1G). Identifiers: Orphanet 154, MedGen C1858763, MONDO:0011400, OMIM 604145.

Allele frequency attached by ClinVar (database versions not stated): gnomAD exomes below 0.00001 and 0.00001; TOPMed below 0.00001; ExAC 0.00001; gnomAD 0.00001.
gnomAD v4.1: 6 of 1,613,112 alleles (0.00037%); highest among the groups gnomAD compares: African/African-American, 0.0013%; no homozygotes.

Submissions (3):

Ambry Genetics
Classification: Likely benign for Cardiovascular phenotype. Last evaluated: 2019-10-17. Review status: criteria provided, single submitter. Criteria: Ambry Variant Classification Scheme 2023. Collection method: clinical testing. Allele origin: germline.

Labcorp Genetics (formerly Invitae), Labcorp
Classification: Uncertain significance for Dilated cardiomyopathy 1G; Autosomal recessive limb-girdle muscular dystrophy type 2J. Last evaluated: 2017-09-22. Review status: criteria provided, single submitter. Criteria: Invitae Variant Classification Sherloc (09022015). Collection method: clinical testing. Allele origin: germline.

GeneDx
Classification: Likely benign. Last evaluated: 2016-12-07. Review status: criteria provided, single submitter. Criteria: GeneDx Variant Classification (06012015). Collection method: clinical testing. Allele origin: germline. Affected: yes.
Comment: This variant is considered likely benign or benign based on one or more of the following criteria: it is a conservative change, it occurs at a poorly conserved position in the protein, it is predicted to be benign by multiple in silico algorithms, and/or has population frequency not consistent with disease.